The following is an entry in ClinVar:

NM_002474.3(MYH11):c.740G>A (p.Arg247His)

Gene: MYH11 (myosin heavy chain 11; minus strand). Cytogenetic location: 16p13.11.
Variant type: single nucleotide variant.
Coding change: c.740G>A on transcript NM_002474.3 (MANE Select); coding-DNA position 740, G replaced by A.
Protein change: p.Arg247His; replaces arginine 247 with histidine.
Molecular consequence: missense variant.
Genome position (GRCh38, 1-based): chr16:15,778,830, C>T on the plus strand (G>A on the coding strand, the complement: MYH11 is on the minus strand). VCF-style: chr16-15778830-C-T. GRCh37 (hg19) VCF-style: chr16-15872687-C-T.
Other names: c.761G>A, p.Arg254His (NM_001040113.2, NM_001040114.2); c.740G>A, p.Arg247His (NM_022844.3); c.740G>A (NM_002474.2); short protein forms R247H, R254H.
Identifiers: ClinVar variation 3387258 (VCV003387258.3).

ClinVar aggregate classification (germline): Uncertain significance. Review status: criteria provided, multiple submitters, no conflicts (2 of 4 stars). 3 submissions from 3 submitters: Uncertain significance (3). Last evaluated 2025-03-23.

Conditions:
Familial thoracic aortic aneurysm and aortic dissection (TAAD). Also called: Thoracic aortic aneurysms and dissections. Identifiers: Orphanet 91387, MedGen C4707243, MONDO:0019625.

gnomAD v4.1: 13 of 1,613,932 alleles (0.00081%); highest among the groups gnomAD compares: African/African-American, 0.0053%; no homozygotes.

Submissions (3):

GeneDx
Classification: Uncertain significance. Last evaluated: 2025-03-23. Review status: criteria provided, single submitter. Criteria: GeneDx Variant Classification Process June 2021. Collection method: clinical testing. Allele origin: germline. Affected: yes.
Comment: Not observed at significant frequency in large population cohorts (gnomAD); In silico analysis supports that this missense variant has a deleterious effect on protein structure/function; Has not been previously published as pathogenic or benign to our knowledge

Ambry Genetics
Classification: Uncertain significance for Familial thoracic aortic aneurysm and aortic dissection. Last evaluated: 2024-07-11. Review status: criteria provided, single submitter. Criteria: Ambry Variant Classification Scheme 2023. Collection method: clinical testing. Allele origin: germline.
Comment: The p.R247H variant (also known as c.740G>A), located in coding exon 6 of the MYH11 gene, results from a G to A substitution at nucleotide position 740. The arginine at codon 247 is replaced by histidine, an amino acid with highly similar properties. This amino acid position is conserved. In addition, this alteration is predicted to be deleterious by in silico analysis. Based on the available evidence, the clinical significance of this variant remains unclear.

All of Us Research Program, National Institutes of Health
Classification: Uncertain significance for Familial thoracic aortic aneurysm and aortic dissection. Last evaluated: 2024-03-05. Review status: criteria provided, single submitter. Criteria: ACMG Guidelines, 2015. Collection method: clinical testing. Allele origin: germline. Inheritance: Autosomal dominant inheritance. Observed: 1 variant allele, 1 heterozygote.
Comment: This study involves interpretation of variants in research participants for the purpose of population health screening. Participant phenotype was not available at the time of variant classification. Additional details can be found in publication PMID: 35346344, PMCID: PMC8962531